The following is an entry in ClinVar:

ClinVar aggregate classification (germline): Likely pathogenic (1 of 4 stars; one submission).

Conditions:
Bryant-Li-Bhoj neurodevelopmental syndrome 1 (BRYLIB1). Identifiers: MedGen C5676905, MONDO:0030606, OMIM 619720.

Submission:

3billion
Classification: Likely pathogenic for Bryant-Li-Bhoj neurodevelopmental syndrome 1. Last evaluated: 2024-07-26. Review status: criteria provided, single submitter. Criteria: ACMG Guidelines, 2015. Collection method: clinical testing. Allele origin: germline. Affected: yes.
Comment: The variant is not observed in the gnomAD v4.0.0 dataset. Predicted Consequence/Location: Missense changes are a common disease-causing mechanism. In silico tool predictions suggest damaging effect of the variant on gene or gene product [REVEL: 0.42 (>=0.6, sensitivity 0.68 and specificity 0.92); 3Cnet: 0.99 (>=0.6, sensitivity 0.72 and precision 0.9)]. Different missense changes at the same codon (p.Ile113Leu, p.Ile113Val) have been reported to be associated with H3-3A related disorder (PMID: 33268356). Therefore, this variant is classified as Likely pathogenic according to the recommendation of ACMG/AMP guideline.

Literature cited by the submitters: PubMed 33268356.

NM_002107.7(H3-3A):c.339C>G (p.Ile113Met)

Gene: H3-3A (H3.3 histone A; plus strand). Cytogenetic location: 1q42.12.
Variant type: single nucleotide variant.
Coding change: c.339C>G on transcript NM_002107.7 (MANE Select); coding-DNA position 339, C replaced by G.
Protein change: p.Ile113Met; replaces isoleucine 113 with methionine.
Molecular consequence: missense variant.
Genome position (GRCh38, 1-based): chr1:226,071,407, C>G. VCF-style: chr1-226071407-C-G. GRCh37 (hg19) VCF-style: chr1-226259108-C-G.
Other names: c.339C>G, p.Ile113Met (NM_001379043.1, NM_001379045.1, NM_001379046.1 and 1 more transcripts); short protein forms I113M.
Identifiers: ClinVar variation 4291940 (VCV004291940.1).